The following is an entry in ClinVar:

ClinVar aggregate classification (germline): Uncertain significance (1 of 4 stars; one submission).

gnomAD v4.1: 41 of 1,613,572 alleles (0.0025%); highest among the groups gnomAD compares: Non-Finnish European, 0.0033%; no homozygotes.

Submission:

GeneDx
Classification: Uncertain significance. Last evaluated: 2024-07-08. Review status: criteria provided, single submitter. Criteria: GeneDx Variant Classification Process June 2021. Collection method: clinical testing. Allele origin: germline. Affected: yes.
Comment: Not observed at significant frequency in large population cohorts (gnomAD); Missense variant in a gene in which most reported pathogenic variants are truncating/loss of function; Has not been previously published as pathogenic or benign to our knowledge

NM_001267550.2(TTN):c.75413A>G (p.Lys25138Arg)

Genes: TTN (titin; minus strand), TTN-AS1 (TTN antisense RNA 1; plus strand). Cytogenetic location: 2q31.2.
Variant type: single nucleotide variant.
Coding change: c.75413A>G on transcript NM_001267550.2 (MANE Select); coding-DNA position 75413, A replaced by G.
Protein change: p.Lys25138Arg; replaces lysine 25138 with arginine.
Molecular consequence: missense variant.
Genome position (GRCh38, 1-based): chr2:178,570,719, T>C on the plus strand (A>G on the coding strand, the complement: TTN is on the minus strand). VCF-style: chr2-178570719-T-C. GRCh37 (hg19) VCF-style: chr2-179435446-T-C.
Other names: c.70490A>G, p.Lys23497Arg (NM_001256850.1); c.48218A>G, p.Lys16073Arg (NM_003319.4); c.67709A>G, p.Lys22570Arg (NM_133378.4); c.48593A>G, p.Lys16198Arg (NM_133432.3); c.48794A>G, p.Lys16265Arg (NM_133437.4); short protein forms K16073R, K16265R, K22570R, K23497R, K25138R, K16198R.
Identifiers: ClinVar variation 3572528 (VCV003572528.1).